The following is an entry in ClinVar:

ClinVar aggregate classification (germline): Uncertain significance. Review status: criteria provided, multiple submitters, no conflicts (2 of 4 stars). 2 submissions from 2 submitters: Uncertain significance (2). Last evaluated 2026-01-06.

Conditions:
Hereditary cancer-predisposing syndrome. Also called: Neoplastic Syndromes, Hereditary; Tumor predisposition; Hereditary Cancer Syndrome; Hereditary neoplastic syndrome. Identifiers: Orphanet 140162, MedGen C0027672, MeSH D009386, MONDO:0015356.

gnomAD v4.1: 3 of 1,613,920 alleles (0.00019%); highest among the groups gnomAD compares: Non-Finnish European, 0.00025%; no homozygotes.

Submissions (2):

Ambry Genetics
Classification: Uncertain significance for Hereditary cancer-predisposing syndrome. Last evaluated: 2026-01-06. Review status: criteria provided, single submitter. Criteria: Ambry Variant Classification Scheme 2023. Collection method: clinical testing. Allele origin: germline.
Comment: The c.3379-3C>A intronic variant results from a C to A substitution 3 nucleotides upstream from coding exon 28 in the POLE gene. This nucleotide position is not well conserved in available vertebrate species. In silico splice site analysis predicts that this alteration will not have any significant effect on splicing. Based on the available evidence, the clinical significance of this variant remains unclear.

Labcorp Genetics (formerly Invitae), Labcorp
Classification: Uncertain significance. Last evaluated: 2021-03-26. Review status: criteria provided, single submitter. Criteria: Invitae Variant Classification Sherloc (09022015). Collection method: clinical testing. Allele origin: germline.
Comment: In summary, the available evidence is currently insufficient to determine the role of this variant in disease. Therefore, it has been classified as a Variant of Uncertain Significance. Nucleotide substitutions within the consensus splice site are a relatively common cause of aberrant splicing (PMID: 17576681, 9536098). Algorithms developed to predict the effect of sequence changes on RNA splicing suggest that this variant may disrupt the consensus splice site, but this prediction has not been confirmed by published transcriptional studies. This variant has not been reported in the literature in individuals with POLE-related conditions. This variant is not present in population databases (ExAC no frequency). This sequence change falls in intron 27 of the POLE gene. It does not directly change the encoded amino acid sequence of the POLE protein. It affects a nucleotide within the consensus splice site of the intron.

Literature cited by the submitters: PubMed 17576681 (cited by Labcorp Genetics (formerly Invitae), Labcorp); PubMed 9536098 (cited by Labcorp Genetics (formerly Invitae), Labcorp).

NM_006231.4(POLE):c.3379-3C>A

Gene: POLE (DNA polymerase epsilon, catalytic subunit; minus strand). Cytogenetic location: 12q24.33.
Variant type: single nucleotide variant.
Coding change: c.3379-3C>A on transcript NM_006231.4 (MANE Select); 3 bases into the intron before coding-DNA position 3379, C replaced by A.
Molecular consequence: intron variant.
Genome position (GRCh38, 1-based): chr12:132,657,432, G>T on the plus strand (C>A on the coding strand, the complement: POLE is on the minus strand). VCF-style: chr12-132657432-G-T. GRCh37 (hg19) VCF-style: chr12-133234018-G-T.
Other names: c.3379-3C>A (NM_006231.2).
Identifiers: ClinVar variation 1476155 (VCV001476155.7), dbSNP rs61952117, ClinGen allele CA2573148082.